The following is an entry in ClinVar:

ClinVar aggregate classification (germline): Uncertain significance (1 of 4 stars; one submission).

Submission:

Labcorp Genetics (formerly Invitae), Labcorp
Classification: Uncertain significance. Last evaluated: 2023-01-26. Review status: criteria provided, single submitter. Criteria: Invitae Variant Classification Sherloc (09022015). Collection method: clinical testing. Allele origin: germline.
Comment: In summary, the available evidence is currently insufficient to determine the role of this variant in disease. Therefore, it has been classified as a Variant of Uncertain Significance. This sequence change creates a premature translational stop signal (p.Gln246Argfs*18) in the ANKZF1 gene. It is expected to result in an absent or disrupted protein product. However, the current clinical and genetic evidence is not sufficient to establish whether loss-of-function variants in ANKZF1 cause disease. This variant is not present in population databases (gnomAD no frequency). This variant has not been reported in the literature in individuals affected with ANKZF1-related conditions.

NM_018089.3(ANKZF1):c.737del (p.Gln246fs)

Gene: ANKZF1 (ankyrin repeat and zinc finger peptidyl tRNA hydrolase 1; plus strand). Cytogenetic location: 2q35.
Variant type: Deletion.
Coding change: c.737del on transcript NM_018089.3 (MANE Select); coding-DNA position 737, one base deleted (A; older notation c.737delA).
Protein change: p.Gln246fs; shifts the reading frame from glutamine 246.
Molecular consequence: frameshift variant.
Genome position (GRCh38, 1-based): chr2:219,233,351, A deleted. VCF-style (leftmost placement, unchanged base first): chr2-219233350-CA-C. GRCh37 (hg19) VCF-style: chr2-220098072-CA-C.
Other names: c.737del, p.Gln246fs (NM_001042410.2); c.107del, p.Gln36fs (NM_001282792.2); short protein forms Q36fs, Q246fs.
Identifiers: ClinVar variation 2832203 (VCV002832203.3), dbSNP rs2544918564, ClinGen allele CA2569291925.